The following is an entry in ClinVar:

NM_001308093.3(GATA4):c.418G>A (p.Gly140Ser)

Gene: GATA4 (GATA binding protein 4). Cytogenetic location: 8p23.1.
Variant type: single nucleotide variant.
Coding change: c.418G>A on transcript NM_001308093.3 (MANE Select); coding-DNA position 418, G replaced by A.
Protein change: p.Gly140Ser; replaces glycine 140 with serine.
Molecular consequence: missense variant. On other transcripts: intron variant (3).
Genome position (GRCh38, 1-based): chr8:11,708,730, G>A. VCF-style: chr8-11708730-G-A. GRCh37 (hg19) VCF-style: chr8-11566239-G-A.
Other names: c.418G>A, p.Gly140Ser (NM_002052.5); c.-6+7952G>A (NM_001308094.2); c.-3+716G>A (NM_001374274.1); c.-3+4426G>A (NM_001374273.1); c.418G>A (NM_002052.3); short protein forms G140S.
Identifiers: ClinVar variation 1383953 (VCV001383953.7), dbSNP rs1185285048, ClinGen allele CA370309579.

ClinVar aggregate classification (germline): Uncertain significance. Review status: criteria provided, multiple submitters, no conflicts (2 of 4 stars). 2 submissions from 2 submitters: Uncertain significance (2). Last evaluated 2022-01-20.

Conditions:
Cardiovascular phenotype. Identifiers: MedGen CN230736.
Atrioventricular septal defect 4 (AVSD4). Identifiers: MedGen C3280781, MONDO:0013747, OMIM 614430.

Allele frequency attached by ClinVar (database versions not stated): TOPMed below 0.00001; gnomAD 0.00001.

Submissions (2):

Ambry Genetics
Classification: Uncertain significance for Cardiovascular phenotype. Last evaluated: 2022-01-20. Review status: criteria provided, single submitter. Criteria: Ambry Variant Classification Scheme 2023. Collection method: clinical testing. Allele origin: germline.
Comment: The c.418G>A (p.G140S) alteration is located in exon 2 (coding exon 1) of the GATA4 gene. This alteration results from a G to A substitution at nucleotide position 418, causing the glycine (G) at amino acid position 140 to be replaced by a serine (S). This variant was not reported in population-based cohorts in the Genome Aggregation Database (gnomAD). This amino acid position is not well conserved in available vertebrate species, and serine is the reference amino acid in two primate species. This alteration is predicted to be tolerated by in silico analysis. Based on insufficient or conflicting evidence, the clinical significance of this alteration remains unclear.

Labcorp Genetics (formerly Invitae), Labcorp
Classification: Uncertain significance for Atrioventricular septal defect 4. Last evaluated: 2021-12-01. Review status: criteria provided, single submitter. Criteria: Invitae Variant Classification Sherloc (09022015). Collection method: clinical testing. Allele origin: germline.
Comment: This sequence change replaces glycine, which is neutral and non-polar, with serine, which is neutral and polar, at codon 140 of the GATA4 protein (p.Gly140Ser). This variant is not present in population databases (gnomAD no frequency). This variant has not been reported in the literature in individuals affected with GATA4-related conditions. Algorithms developed to predict the effect of missense changes on protein structure and function output the following: SIFT: "Tolerated"; PolyPhen-2: "Benign"; Align-GVGD: "Class C0". The serine amino acid residue is found in multiple mammalian species, which suggests that this missense change does not adversely affect protein function. In summary, the available evidence is currently insufficient to determine the role of this variant in disease. Therefore, it has been classified as a Variant of Uncertain Significance.